The following is an entry in ClinVar:

ClinVar aggregate classification (germline): Uncertain significance (1 of 4 stars; one submission).

gnomAD v4.1: 1 of 1,204,284 alleles (0.000083%); highest among the groups gnomAD compares: Non-Finnish European, 0.00011%; no homozygotes.

Submission:

Labcorp Genetics (formerly Invitae), Labcorp
Classification: Uncertain significance. Last evaluated: 2025-08-11. Review status: criteria provided, single submitter. Criteria: Invitae Variant Classification Sherloc (09022015). Collection method: clinical testing. Allele origin: germline.
Comment: This sequence change replaces lysine, which is basic and polar, with glutamic acid, which is acidic and polar, at codon 1497 of the HUWE1 protein (p.Lys1497Glu). The frequency data for this variant in the population databases is considered unreliable, as metrics indicate poor data quality at this position in the gnomAD database. This variant has not been reported in the literature in individuals affected with HUWE1-related conditions. ClinVar contains an entry for this variant (Variation ID: 3607100). Invitae Evidence Modeling of protein sequence and biophysical properties (such as structural, functional, and spatial information, amino acid conservation, physicochemical variation, residue mobility, and thermodynamic stability) has been performed for this missense variant. However, the output from this modeling did not meet the statistical confidence thresholds required to predict the impact of this variant on HUWE1 protein function. In summary, the available evidence is currently insufficient to determine the role of this variant in disease. Therefore, it has been classified as a Variant of Uncertain Significance.

NM_031407.7(HUWE1):c.4489A>G (p.Lys1497Glu)

Gene: HUWE1 (HECT, UBA and WWE domain containing E3 ubiquitin protein ligase 1; minus strand). Cytogenetic location: Xp11.22.
Variant type: single nucleotide variant.
Coding change: c.4489A>G on transcript NM_031407.7 (MANE Select); coding-DNA position 4489, A replaced by G.
Protein change: p.Lys1497Glu; replaces lysine 1497 with glutamic acid.
Molecular consequence: missense variant.
Genome position (GRCh38, 1-based): chrX:53,588,507, T>C on the plus strand (A>G on the coding strand, the complement: HUWE1 is on the minus strand). VCF-style: chrX-53588507-T-C. GRCh37 (hg19) VCF-style: chrX-53615467-T-C.
Other names: short protein forms K1497E.
Identifiers: ClinVar variation 3607100 (VCV003607100.2).